The following is an entry in ClinVar:

ClinVar aggregate classification (germline): Uncertain significance (1 of 4 stars; one submission).

Conditions:
Cardiac arrhythmia. Also called: Arrhythmia; Cardiac rhythm disease. Identifiers: MedGen C0003811, MONDO:0007263, HP:0011675.

Allele frequency attached by ClinVar (database versions not stated): gnomAD exomes below 0.00001.

Submission:

Labcorp Genetics (formerly Invitae), Labcorp
Classification: Uncertain significance for Cardiac arrhythmia. Last evaluated: 2022-03-19. Review status: criteria provided, single submitter. Criteria: Invitae Variant Classification Sherloc (09022015). Collection method: clinical testing. Allele origin: germline.
Comment: Variants that disrupt the consensus splice site are a relatively common cause of aberrant splicing (PMID: 17576681, 9536098). Algorithms developed to predict the effect of sequence changes on RNA splicing suggest that this variant may disrupt the consensus splice site. ClinVar contains an entry for this variant (Variation ID: 652025). In summary, the available evidence is currently insufficient to determine the role of this variant in disease. Therefore, it has been classified as a Variant of Uncertain Significance. This variant is not present in population databases (gnomAD no frequency). This variant has not been reported in the literature in individuals affected with RANGRF-related conditions. This sequence change falls in intron 4 of the RANGRF gene. It does not directly change the encoded amino acid sequence of the RANGRF protein. It affects a nucleotide within the consensus splice site.

Literature cited by the submitters: PubMed 17576681; PubMed 9536098.

NM_016492.5(RANGRF):c.437+3A>G

Genes: RANGRF (RAN guanine nucleotide release factor; plus strand), SLC25A35 (solute carrier family 25 member 35; minus strand). Cytogenetic location: 17p13.1.
Variant type: single nucleotide variant.
Coding change: c.437+3A>G on transcript NM_016492.5 (MANE Select); 3 bases into the intron after coding-DNA position 437, A replaced by G.
Molecular consequence: intron variant. On other transcripts: synonymous variant (1), 3 prime UTR variant (4), non-coding transcript variant (2).
Genome position (GRCh38, 1-based): chr17:8,289,591, A>G. VCF-style: chr17-8289591-A-G. GRCh37 (hg19) VCF-style: chr17-8192909-A-G.
Other names: c.440A>G, p.Ter147= (NM_001177801.2); c.*30A>G (NM_001177802.2); c.*25T>C (NM_001320871.2, NM_001320872.2, NM_201520.3); c.351+177A>G (NM_001330127.2).
Identifiers: ClinVar variation 652025 (VCV000652025.8), dbSNP rs1597441839, ClinGen allele CA915949562.